The following is an entry in ClinVar:

NM_001142800.2(EYS):c.5014C>T (p.Gln1672Ter)

Gene: EYS (EGF-like photoreceptor maintenance factor; minus strand). Cytogenetic location: 6q12.
Variant type: single nucleotide variant.
Coding change: c.5014C>T on transcript NM_001142800.2 (MANE Select); coding-DNA position 5014, C replaced by T.
Protein change: p.Gln1672Ter; replaces glutamine 1672 with a stop codon.
Molecular consequence: nonsense.
Genome position (GRCh38, 1-based): chr6:64,590,853, G>A on the plus strand (C>T on the coding strand, the complement: EYS is on the minus strand). VCF-style: chr6-64590853-G-A. GRCh37 (hg19) VCF-style: chr6-65300746-G-A.
Other names: c.5014C>T, p.Gln1672Ter (NM_001292009.2); short protein forms Q1672*.
Identifiers: ClinVar variation 143106 (VCV000143106.3), dbSNP rs527236074, ClinGen allele CA270056.
Genomic context (GRCh38, chr6:64,590,853, plus strand): 5'-GTTCATCAGTAGTCATTTTTGAAGTCAAATCAGAATTCATCAAGTCTGAAGAGATAGTTT[G>A]TGAAGGGACAATGGATAAACAAGTCTTATCCAAACATAAATTAACATCCAAATTACTTGA-3'

ClinVar aggregate classification (germline): Pathogenic. Review status: criteria provided, single submitter (1 of 4 stars). 2 submissions from 2 submitters: Pathogenic (1). 1 of the submissions does not count toward it. Last evaluated 2024-05-14.

Conditions:
Retinitis pigmentosa (RP). Identifiers: Orphanet 791, MedGen C0035334, MeSH D012174, MONDO:0019200, OMIM 268000. Inheritance: Autosomal dominant, autosomal recessive and X linked inheritance.
Retinitis pigmentosa 25 (RP25). Identifiers: Orphanet 791, MedGen C1864446, MONDO:0011272, OMIM 602772.

Submissions (2):

Myriad Genetics, Inc.
Classification: Pathogenic for Retinitis pigmentosa 25. Last evaluated: 2024-05-14. Review status: criteria provided, single submitter. Criteria: Myriad Autosomal Dominant, Autosomal Recessive and X-Linked Classification Criteria (2023). Collection method: clinical testing. Allele origin: unknown.
Comment: NM_001142800.1(EYS):c.5014C>T(Q1672*) is expected to be pathogenic in the context of retinitis pigmentosa, EYS-related. This variant is predicted to lead to an abnormal or absent protein product due to the creation of a premature termination codon in EYS, a gene where loss-of-function variants are known to be pathogenic. Please note: this variant was assessed in the context of healthy population screening.

Department of Ophthalmology and Visual Sciences Kyoto University
Classification: Likely pathogenic for Retinitis pigmentosa. Review status: no assertion criteria provided. Collection method: not provided. Allele origin: unknown. Not counted in ClinVar's aggregate classification.
ClinVar note: Converted during submission from probable-pathogenic to Likely pathogenic.